The following is an entry in ClinVar:

ClinVar aggregate classification (germline): Uncertain significance (1 of 4 stars; one submission).

Conditions:
Familial melanoma. Also called: Hereditary melanoma; Hereditary cutaneous melanoma. Identifiers: Orphanet 618, MedGen C1512419, MONDO:0018961.

Submission:

Labcorp Genetics (formerly Invitae), Labcorp
Classification: Uncertain significance for Familial melanoma. Last evaluated: 2024-05-14. Review status: criteria provided, single submitter. Criteria: Invitae Variant Classification Sherloc (09022015). Collection method: clinical testing. Allele origin: germline.
Comment: This sequence change creates a premature translational stop signal (p.Val260Trpfs*17) in the CDK4 gene. While this is not anticipated to result in nonsense mediated decay, it is expected to disrupt the last 27 amino acid(s) of the CDK4 protein. This variant is not present in population databases (gnomAD no frequency). This variant has not been reported in the literature in individuals affected with CDK4-related conditions. Experimental studies and prediction algorithms are not available or were not evaluated, and the functional significance of this variant is currently unknown. In summary, the available evidence is currently insufficient to determine the role of this variant in disease. Therefore, it has been classified as a Variant of Uncertain Significance.

NM_000075.4(CDK4):c.778del (p.Val260fs)

Genes: CDK4 (cyclin dependent kinase 4; minus strand), TSPAN31 (tetraspanin 31; plus strand). Cytogenetic location: 12q14.1.
Variant type: Deletion.
Coding change: c.778del on transcript NM_000075.4 (MANE Select); coding-DNA position 778, one base deleted (G; older notation c.778delG).
Protein change: p.Val260fs; shifts the reading frame from valine 260.
Molecular consequence: frameshift variant. On other transcripts: 3 prime UTR variant (3).
Genome position (GRCh38, 1-based): chr12:57,749,223, C deleted on the plus strand (G on the coding strand, the reverse complement: CDK4 is on the minus strand); the first of 2 consecutive C bases (chr12:57,749,223-57,749,224); deleting either gives the same sequence. VCF-style (leftmost placement, unchanged base first): chr12-57749222-AC-A. GRCh37 (hg19) VCF-style: chr12-58143005-AC-A.
Other names: c.*1934del (NM_001330168.2, NM_001330169.2, NM_005981.5); short protein forms V260fs.
Identifiers: ClinVar variation 3653279 (VCV003653279.2).